The following is an entry in ClinVar:

ClinVar aggregate classification (germline): Conflicting classifications of pathogenicity. Review status: criteria provided, conflicting classifications (1 of 4 stars). 6 submissions from 6 submitters: Pathogenic (1); Likely pathogenic (3); Uncertain significance (2). Last evaluated 2025-06-30.

Conditions:
Polycystic kidney disease, adult type (PKD1). Also called: Polycystic Kidney, Autosomal Dominant; Polycystic Kidney Disease 1, Autosomal Dominant; Polycystic kidney disease 1; Polycystic kidney disease 1, severe; POLYCYSTIC KIDNEY DISEASE 1 WITH OR WITHOUT POLYCYSTIC LIVER DISEASE; POLYCYSTIC KIDNEY DISEASE, ADULT, TYPE I. Identifiers: MedGen C3149841, MONDO:0008263, OMIM 173900.
PKD1-related disorder. Also called: PKD1-related condition.

Allele frequency attached by ClinVar (database versions not stated): gnomAD exomes below 0.00001.
gnomAD v4.1: 1 of 1,452,720 alleles (0.000069%); highest among the groups gnomAD compares: South Asian, 0.0012%; no homozygotes.

Submissions (6):

PreventionGenetics, part of Exact Sciences
Classification: Likely pathogenic for PKD1-related condition. Last evaluated: 2025-06-30. Review status: criteria provided, single submitter. Criteria: ACMG Guidelines, 2015. Collection method: clinical testing. Allele origin: germline.
Comment: The PKD1 c.2180T>G variant is predicted to result in the amino acid substitution p.Leu727Arg. This variant has not been reported in a large population database, indicating this variant is rare. The p.Leu727 residue is highly conserved during evolution from frog to human. This variant has been reported in an individual with polycystic kidney disease (Hoefele et al. 2010. PubMed ID: 21115670). In addition, we have found this variant in the heterozygous state in three presumably unrelated patients tested for polycystic kidney disease at PreventionGenetics. Of note, different substitutions at this codon have been reported in individuals with polycystic kidney disease (Human Gene Mutation Database - HGMD). This variant is interpreted as likely pathogenic.

Victorian Clinical Genetics Services, Murdoch Childrens Research Institute
Classification: Pathogenic for Polycystic kidney disease, adult type. Last evaluated: 2024-10-18. Review status: criteria provided, single submitter. Criteria: ACMG Guidelines, 2015. Collection method: clinical testing. Allele origin: germline. Affected: yes.
Comment: This variant is classified as Pathogenic. Evidence in support of pathogenic classification: Variant is present in gnomAD <0.001 for a dominant condition (v4: 1 heterozygote(s), 0 homozygote(s)); This variant has moderate previous evidence of pathogenicity in unrelated individuals. This variant has been classified as a VUS and as likely pathogenic by clinical laboratories in ClinVar and has been reported in the literature in an individual with ADPKD (PMID: 21115670); Other missense variant(s) comparable to the one identified in this case have very strong previous evidence for pathogenicity. Two alternative changes, p.(Leu727Pro) and p.(Leu727Gln), have been classified as likely pathogenic/pathogenic by clinical laboratories (ClinVar); p.(Leu727Gln) has also been classified as a VUS (ClinVar); Missense variant consistently predicted to be damaging by in silico tool or highly conserved with a major amino acid change. Additional information: Variant is predicted to result in a missense amino acid change from leucine to arginine; This variant is heterozygous; This gene is associated with autosomal dominant disease. Polycystic kidney disease 1 (MIM#173900) is predominantly caused by monoallelic variants, with rare reports of biallelic variants causing disease (OMIM); No published segregation evidence has been identified for this variant; No published functional evidence has been identified for this variant; Variant is not located in an established domain, motif, hotspot or informative constraint region; Loss of function is a known mechanism of disease in this gene and is associated with polycystic kidney disease 1 (MIM#173900); Inheritance information for this variant is not currently available in this individual.

Fulgent Genetics
Classification: Likely pathogenic for Polycystic kidney disease, adult type. Last evaluated: 2024-03-20. Review status: criteria provided, single submitter. Criteria: ACMG Guidelines, 2015. Collection method: clinical testing. Allele origin: germline.

Blueprint Genetics
Classification: Likely pathogenic for PKD1-related disorders. Last evaluated: 2024-02-29. Review status: criteria provided, single submitter. Criteria: ACMG Guidelines, 2015. Collection method: clinical testing. Allele origin: germline. Affected: yes. Observed: 2 variant alleles.

Department of Pathology and Laboratory Medicine, Sinai Health System
Classification: Uncertain significance for Polycystic kidney disease, adult type. Last evaluated: 2023-10-12. Review status: criteria provided, single submitter. Criteria: ACMG Guidelines, 2015. Collection method: clinical testing. Allele origin: germline. Affected: yes.

Athena Diagnostics
Classification: Uncertain significance. Last evaluated: 2020-01-09. Review status: criteria provided, single submitter. Criteria: Athena Diagnostics Criteria. Collection method: clinical testing. Allele origin: unknown.

Literature cited by the submitters: PubMed 21115670 (cited by Victorian Clinical Genetics Services, Murdoch Childrens Research Institute and Athena Diagnostics).

NM_001009944.3(PKD1):c.2180T>G (p.Leu727Arg)

Gene: PKD1 (polycystin 1, transient receptor potential channel interacting; minus strand). Cytogenetic location: 16p13.3.
Variant type: single nucleotide variant.
Coding change: c.2180T>G on transcript NM_001009944.3 (MANE Select); coding-DNA position 2180, T replaced by G.
Protein change: p.Leu727Arg; replaces leucine 727 with arginine.
Molecular consequence: missense variant.
Genome position (GRCh38, 1-based): chr16:2,114,843, A>C on the plus strand (T>G on the coding strand, the complement: PKD1 is on the minus strand). VCF-style: chr16-2114843-A-C. GRCh37 (hg19) VCF-style: chr16-2164844-A-C.
Other names: c.2180T>G (NM_001009944.2); c.2180T>G, p.Leu727Arg (NM_000296.4); short protein forms L727R.
Identifiers: ClinVar variation 994718 (VCV000994718.8), dbSNP rs1616940, ClinGen allele CA394389171.